The following is an entry in ClinVar:

ClinVar aggregate classification (germline): Uncertain significance. Review status: criteria provided, multiple submitters, no conflicts (2 of 4 stars). 2 submissions from 2 submitters: Uncertain significance (2). Last evaluated 2025-04-14.

Conditions:
Hereditary cancer-predisposing syndrome. Also called: Neoplastic Syndromes, Hereditary; Tumor predisposition; Hereditary neoplastic syndrome; Hereditary Cancer Syndrome. Identifiers: Orphanet 140162, MedGen C0027672, MeSH D009386, MONDO:0015356.
Bloom syndrome (BLM). Also called: Bloom-Torre-Machacek syndrome. Identifiers: Orphanet 125, MedGen C0005859, MONDO:0008876, OMIM 210900.

Allele frequency attached by ClinVar (database versions not stated): gnomAD exomes below 0.00001.
gnomAD v4.1: 1 of 1,612,956 alleles (0.000062%); highest among the groups gnomAD compares: Admixed American, 0.0017%; no homozygotes.

Submissions (2):

Labcorp Genetics (formerly Invitae), Labcorp
Classification: Uncertain significance for Bloom syndrome. Last evaluated: 2025-04-14. Review status: criteria provided, single submitter. Criteria: Invitae Variant Classification Sherloc (09022015). Collection method: clinical testing. Allele origin: germline.
Comment: This sequence change replaces lysine, which is basic and polar, with threonine, which is neutral and polar, at codon 1122 of the BLM protein (p.Lys1122Thr). This variant is present in population databases (no rsID available, gnomAD 0.003%). This variant has not been reported in the literature in individuals affected with BLM-related conditions. ClinVar contains an entry for this variant (Variation ID: 663085). Invitae Evidence Modeling of protein sequence and biophysical properties (such as structural, functional, and spatial information, amino acid conservation, physicochemical variation, residue mobility, and thermodynamic stability) indicates that this missense variant is not expected to disrupt BLM protein function with a negative predictive value of 80%. In summary, the available evidence is currently insufficient to determine the role of this variant in disease. Therefore, it has been classified as a Variant of Uncertain Significance.

Ambry Genetics
Classification: Uncertain significance for Hereditary cancer-predisposing syndrome. Last evaluated: 2020-03-02. Review status: criteria provided, single submitter. Criteria: Ambry Variant Classification Scheme 2023. Collection method: clinical testing. Allele origin: germline.
Comment: The p.K1122T variant (also known as c.3365A>C), located in coding exon 17 of the BLM gene, results from an A to C substitution at nucleotide position 3365. The lysine at codon 1122 is replaced by threonine, an amino acid with similar properties. This amino acid position is highly conserved in available vertebrate species. In addition, the in silico prediction for this alteration is inconclusive. Since supporting evidence is limited at this time, the clinical significance of this alteration remains unclear.

NM_000057.4(BLM):c.3365A>C (p.Lys1122Thr)

Gene: BLM (BLM RecQ like helicase; plus strand). Cytogenetic location: 15q26.1.
Variant type: single nucleotide variant.
Coding change: c.3365A>C on transcript NM_000057.4 (MANE Select); coding-DNA position 3365, A replaced by C.
Protein change: p.Lys1122Thr; replaces lysine 1122 with threonine.
Molecular consequence: missense variant. On other transcripts: intron variant (1).
Genome position (GRCh38, 1-based): chr15:90,803,527, A>C. VCF-style: chr15-90803527-A-C. GRCh37 (hg19) VCF-style: chr15-91346757-A-C.
Other names: c.3365A>C, p.Lys1122Thr (NM_001287246.2); c.2240A>C, p.Lys747Thr (NM_001287248.2); c.3358+5190A>C (NM_001287247.2); short protein forms K1122T, K747T.
Identifiers: ClinVar variation 663085 (VCV000663085.11), dbSNP rs1175406197, ClinGen allele CA393847440.